The following is an entry in ClinVar:

NM_001110556.2(FLNA):c.5453C>T (p.Pro1818Leu)

Gene: FLNA (filamin A; minus strand). Cytogenetic location: Xq28.
Variant type: single nucleotide variant.
Coding change: c.5453C>T on transcript NM_001110556.2 (MANE Select); coding-DNA position 5453, C replaced by T.
Protein change: p.Pro1818Leu; replaces proline 1818 with leucine.
Molecular consequence: missense variant.
Genome position (GRCh38, 1-based): chrX:154,354,255, G>A on the plus strand (C>T on the coding strand, the complement: FLNA is on the minus strand). VCF-style: chrX-154354255-G-A. GRCh37 (hg19) VCF-style: chrX-153582623-G-A.
Other names: c.5429C>T, p.Pro1810Leu (NM_001456.4); short protein forms P1810L, P1818L.
Identifiers: ClinVar variation 2635273 (VCV002635273.2), dbSNP rs781950038, ClinGen allele CA10560310.

ClinVar aggregate classification (germline): Uncertain significance (1 of 4 stars; one submission).

Conditions:
FLNA-related disorder.

Allele frequency attached by ClinVar (database versions not stated): gnomAD 0.00001; gnomAD exomes 0.00001; ExAC 0.00002.

Submission:

PreventionGenetics, part of Exact Sciences
Classification: Uncertain significance for FLNA-related condition. Last evaluated: 2025-03-26. Review status: criteria provided, single submitter. Criteria: ACMG Guidelines, 2015. Collection method: clinical testing. Allele origin: germline.
Comment: The FLNA c.5453C>T variant is predicted to result in the amino acid substitution p.Pro1818Leu. To our knowledge, this variant has not been reported in the literature. This variant is reported in 0.0025% of alleles in individuals of European (non-Finnish) descent in gnomAD. At this time, the clinical significance of this variant is uncertain due to the absence of conclusive functional and genetic evidence.